The following is an entry in ClinVar:

ClinVar aggregate classification (germline): Benign/Likely benign. Review status: criteria provided, multiple submitters, no conflicts (2 of 4 stars). 4 submissions from 4 submitters: Benign (2); Likely benign (2). Last evaluated 2026-02-01.

Allele frequency attached by ClinVar (database versions not stated): gnomAD exomes 0.00100 and 0.00292; ExAC 0.00349; gnomAD 0.00993 and 0.01052; TOPMed 0.01145; 1000 Genomes Project 0.01238; ESP Exome Variant Server 0.01269; 1000 Genomes Project 30x 0.01421.
gnomAD v4.1: 2,997 of 1,614,058 alleles (0.19%); highest among the groups gnomAD compares: African/African-American, 3.4%; 61 homozygotes.

Submissions (4):

Labcorp Genetics (formerly Invitae), Labcorp
Classification: Benign. Last evaluated: 2026-02-01. Review status: criteria provided, single submitter. Criteria: Invitae Variant Classification Sherloc (09022015). Collection method: clinical testing. Allele origin: germline.

Mayo Clinic Laboratories, Mayo Clinic
Classification: Benign. Last evaluated: 2023-06-12. Review status: criteria provided, single submitter. Criteria: ACMG Guidelines, 2015. Collection method: clinical testing. Allele origin: germline. Observed: 5 variant alleles.
Comment: BS1, BS2

GeneDx
Classification: Likely benign. Last evaluated: 2021-08-14. Review status: criteria provided, single submitter. Criteria: GeneDx Variant Classification Process June 2021. Collection method: clinical testing. Allele origin: germline. Affected: yes.

Breakthrough Genomics
Classification: Likely benign. Review status: criteria provided, single submitter. Criteria: ACMG Guidelines, 2015. Collection method: not provided. Allele origin: germline. Inheritance: Autosomal dominant inheritance. Affected: yes.

NM_212482.4(FN1):c.2592C>T (p.Ser864=)

Gene: FN1 (fibronectin 1; minus strand). Cytogenetic location: 2q35.
Variant type: single nucleotide variant.
Coding change: c.2592C>T on transcript NM_212482.4 (MANE Select); coding-DNA position 2592, C replaced by T.
Protein change: p.Ser864=; no amino-acid change (serine 864 retained).
Molecular consequence: synonymous variant.
Genome position (GRCh38, 1-based): chr2:215,407,248, G>A on the plus strand (C>T on the coding strand, the complement: FN1 is on the minus strand). VCF-style: chr2-215407248-G-A. GRCh37 (hg19) VCF-style: chr2-216271971-G-A.
Other names: p.Ser864=; c.2592C>T (NM_212482.3); c.2592C>T, p.Ser864= (NM_001306129.2, NM_001306130.2, NM_001306131.2 and 13 more transcripts).
Identifiers: ClinVar variation 789975 (VCV000789975.15), dbSNP rs74574217, ClinGen allele CA2094926.